The following is an entry in ClinVar:

ClinVar aggregate classification (germline): Uncertain significance (1 of 4 stars; one submission).

gnomAD v4.1: 2 of 1,515,048 alleles (0.00013%); highest among the groups gnomAD compares: Non-Finnish European, 0.00018%; no homozygotes.

Submission:

Labcorp Genetics (formerly Invitae), Labcorp
Classification: Uncertain significance. Last evaluated: 2025-12-17. Review status: criteria provided, single submitter. Criteria: Invitae Variant Classification Sherloc (09022015). Collection method: clinical testing. Allele origin: germline.
Comment: This sequence change replaces glycine, which is neutral and non-polar, with arginine, which is basic and polar, at codon 416 of the RELA protein (p.Gly416Arg). This variant is not present in population databases (gnomAD no frequency). This variant has not been reported in the literature in individuals affected with RELA-related conditions. An algorithm developed to predict the effect of missense changes on protein structure and function (PolyPhen-2) suggests that this variant is likely to be tolerated. In summary, the available evidence is currently insufficient to determine the role of this variant in disease. Therefore, it has been classified as a Variant of Uncertain Significance.

NM_021975.4(RELA):c.1246G>C (p.Gly416Arg)

Gene: RELA (RELA proto-oncogene, NF-kB subunit; minus strand). Cytogenetic location: 11q13.1.
Variant type: single nucleotide variant.
Coding change: c.1246G>C on transcript NM_021975.4 (MANE Select); coding-DNA position 1246, G replaced by C.
Protein change: p.Gly416Arg; replaces glycine 416 with arginine.
Molecular consequence: missense variant. On other transcripts: intron variant (1).
Genome position (GRCh38, 1-based): chr11:65,654,788, C>G on the plus strand (G>C on the coding strand, the complement: RELA is on the minus strand). VCF-style: chr11-65654788-C-G. GRCh37 (hg19) VCF-style: chr11-65422259-C-G.
Other names: c.1279G>C, p.Gly427Arg (NM_001404657.1); c.1219G>C, p.Gly407Arg (NM_001404658.1); c.1033G>C, p.Gly345Arg (NM_001404659.1); c.928G>C, p.Gly310Arg (NM_001404660.1); c.865G>C, p.Gly289Arg (NM_001404661.1); c.1153G>C, p.Gly385Arg (NM_001404662.1, NM_001404663.1); c.1215+31G>C (NM_001243985.2); c.1237G>C, p.Gly413Arg (NM_001145138.2); and 1 more; short protein forms G310R, G385R, G289R, G416R, G345R, G407R, G347R, G413R.
Identifiers: ClinVar variation 4776976 (VCV004776976.1).
Genomic context (GRCh38, chr11:65,654,788, plus strand): 5'-GCGTTCCTTCCCCAGCCTGGGTGGGCTTGGGGGCAGGTGGGGCCACAGCCTGAGGAGGGC[C>G]TGGGGCTAGGACTGGGACAGGGGCTGGGGCCTGGGCCAGAGCTGATACCATGGCTGGAGC-3'
Protein context (NP_068810.3, residues 406-426): APAPVPVLAP[Gly416Arg]PPQAVAPPAP